The following is an entry in ClinVar:

NM_000552.5(VWF):c.6766C>T (p.Gln2256Ter)

Gene: VWF (von Willebrand factor; minus strand). Cytogenetic location: 12p13.31.
Variant type: single nucleotide variant.
Coding change: c.6766C>T on transcript NM_000552.5 (MANE Select); coding-DNA position 6766, C replaced by T.
Protein change: p.Gln2256Ter; replaces glutamine 2256 with a stop codon.
Molecular consequence: nonsense.
Genome position (GRCh38, 1-based): chr12:5,991,851, G>A on the plus strand (C>T on the coding strand, the complement: VWF is on the minus strand). VCF-style: chr12-5991851-G-A. GRCh37 (hg19) VCF-style: chr12-6101017-G-A.
Other names: short protein forms Q2256*.
Identifiers: ClinVar variation 4852611 (VCV004852611.2).

ClinVar aggregate classification (germline): Likely pathogenic (1 of 4 stars; one submission).

Submission:

Dasa
Classification: Likely pathogenic. Last evaluated: 2026-03-23. Review status: criteria provided, single submitter. Criteria: DASA Assertion Criteria. Collection method: clinical testing. Allele origin: germline.
Comment: NM_000552.5(VWF):c.6766C>T (p.Gln2256*) is a nonsense variant in VWF predicted to introduce a premature termination codon and is predicted to result in an absent or altered protein product. Loss of function is an established disease mechanism for VWF-associated disorders. Also, this variant is rare in population databases. Based on the currently available evidence, this variant is classified as likely pathogenic.